The following is an entry in ClinVar:

NM_015338.6(ASXL1):c.2964C>A (p.Asp988Glu)

Gene: ASXL1 (ASXL transcriptional regulator 1; plus strand). Cytogenetic location: 20q11.21.
Variant type: single nucleotide variant.
Coding change: c.2964C>A on transcript NM_015338.6 (MANE Select); coding-DNA position 2964, C replaced by A.
Protein change: p.Asp988Glu; replaces aspartic acid 988 with glutamic acid.
Molecular consequence: missense variant.
Genome position (GRCh38, 1-based): chr20:32,435,676, C>A. VCF-style: chr20-32435676-C-A. GRCh37 (hg19) VCF-style: chr20-31023479-C-A.
Other names: c.2781C>A, p.Asp927Glu (NM_001363734.1); short protein forms D927E, D988E.
Identifiers: ClinVar variation 3955102 (VCV003955102.1).

ClinVar aggregate classification (germline): Uncertain significance (1 of 4 stars; one submission).

Conditions:
Inborn genetic diseases. Identifiers: MedGen C0950123, MeSH D030342.

Submission:

Ambry Genetics
Classification: Uncertain significance for Inborn genetic diseases. Last evaluated: 2025-03-24. Review status: criteria provided, single submitter. Criteria: Ambry Variant Classification Scheme 2023. Collection method: clinical testing. Allele origin: germline.
Comment: The p.D988E variant (also known as c.2964C>A), located in coding exon 13 of the ASXL1 gene, results from a C to A substitution at nucleotide position 2964. The aspartic acid at codon 988 is replaced by glutamic acid, an amino acid with highly similar properties. This amino acid position is conserved. In addition, this alteration is predicted to be tolerated by in silico analysis. Based on the available evidence, the clinical significance of this variant remains unclear.